The following is an entry in ClinVar:

NM_001367534.1(CAMK2G):c.1038G>A (p.Ser346=)

Gene: CAMK2G (calcium/calmodulin dependent protein kinase II gamma; minus strand). Cytogenetic location: 10q22.2.
Variant type: single nucleotide variant.
Coding change: c.1038G>A on transcript NM_001367534.1 (MANE Select); coding-DNA position 1038, G replaced by A.
Protein change: p.Ser346=; no amino-acid change (serine 346 retained).
Molecular consequence: synonymous variant. On other transcripts: non-coding transcript variant (8).
Genome position (GRCh38, 1-based): chr10:73,837,483, C>T on the plus strand (G>A on the coding strand, the complement: CAMK2G is on the minus strand). VCF-style: chr10-73837483-C-T. GRCh37 (hg19) VCF-style: chr10-75597241-C-T.
Other names: c.951G>A, p.Ser317= (NM_001367514.1, NM_001367525.1, NM_001367532.1); c.975G>A, p.Ser325= (NM_001367516.1, NM_001367517.1, NM_001367518.1 and 17 more transcripts); c.1038G>A, p.Ser346= (NM_001367521.1, NM_001367523.1, NM_001367527.1 and 8 more transcripts); c.792G>A, p.Ser264= (NM_001367524.1); c.663G>A, p.Ser221= (NM_001367537.1, NM_001367538.1); c.729G>A, p.Ser243= (NM_001367539.1); c.309G>A, p.Ser103= (NM_001367540.1); c.285G>A, p.Ser95= (NM_001367542.1); and 1 more.
Identifiers: ClinVar variation 2640594 (VCV002640594.26), dbSNP rs765989347, ClinGen allele CA5561889.
Genomic context (GRCh38, chr10:73,837,483, plus strand): 5'-GCGGGGAGAAAGAGGCCAGTCTGTTCAGAGGCTGGAGACACTTACCTTGACACCGCCATC[C>T]GACTTCTTGTTCAATAGGCTTTTGGCAGCTGTGAAAACAAAGAGGAATATCAAGTCTCCT-3'
Protein context (NP_001354463.1, residues 336-356): QAAKSLLNKK[Ser346=]DGGVKKRKSS

ClinVar aggregate classification (germline): Likely benign. Review status: criteria provided, multiple submitters, no conflicts (2 of 4 stars). 3 submissions from 3 submitters: Likely benign (2). 1 of the submissions does not count toward it. Last evaluated 2024-11-25.

Conditions:
CAMK2G-related disorder. Also called: CAMK2G-related condition.

Allele frequency attached by ClinVar (database versions not stated): ExAC 0.00002; gnomAD 0.00003.
gnomAD v4.1: 37 of 1,613,536 alleles (0.0023%); highest among the groups gnomAD compares: East Asian, 0.0045%; no homozygotes.

Submissions (3):

Blueprint Genetics
Classification: Likely benign. Last evaluated: 2024-11-25. Review status: criteria provided, single submitter. Criteria: ACMG Guidelines, 2015. Collection method: clinical testing. Allele origin: germline.

CeGaT Center for Human Genetics Tuebingen
Classification: Likely benign. Last evaluated: 2022-03-01. Review status: criteria provided, single submitter. Criteria: CeGaT Center For Human Genetics Tuebingen Variant Classification Criteria Version 2. Collection method: clinical testing. Allele origin: germline. Affected: yes. Observed: 1 variant allele.
Comment: CAMK2G: BP4, BP7

PreventionGenetics, part of Exact Sciences
Classification: Likely benign for CAMK2G-related condition. Last evaluated: 2019-06-12. Review status: no assertion criteria provided. Collection method: clinical testing. Allele origin: germline. Not counted in ClinVar's aggregate classification.
Comment: This variant is classified as likely benign based on ACMG/AMP sequence variant interpretation guidelines (Richards et al. 2015 PMID: 25741868, with internal and published modifications).